The following is an entry in ClinVar:

ClinVar aggregate classification (germline): Uncertain significance (1 of 4 stars; one submission).

Submission:

Labcorp Genetics (formerly Invitae), Labcorp
Classification: Uncertain significance. Last evaluated: 2025-11-01. Review status: criteria provided, single submitter. Criteria: Invitae Variant Classification Sherloc (09022015). Collection method: clinical testing. Allele origin: germline.
Comment: This sequence change replaces tyrosine, which is neutral and polar, with cysteine, which is neutral and slightly polar, at codon 2166 of the MYO7A protein (p.Tyr2166Cys). This variant is not present in population databases (gnomAD no frequency). This variant has not been reported in the literature in individuals affected with MYO7A-related conditions. Invitae Evidence Modeling of protein sequence and biophysical properties (such as structural, functional, and spatial information, amino acid conservation, physicochemical variation, residue mobility, and thermodynamic stability) has been performed for this missense variant. However, the output from this modeling did not meet the statistical confidence thresholds required to predict the impact of this variant on MYO7A protein function. In summary, the available evidence is currently insufficient to determine the role of this variant in disease. Therefore, it has been classified as a Variant of Uncertain Significance.

NM_000260.4(MYO7A):c.6497A>G (p.Tyr2166Cys)

Gene: MYO7A (myosin VIIA; plus strand). Cytogenetic location: 11q13.5.
Variant type: single nucleotide variant.
Coding change: c.6497A>G on transcript NM_000260.4 (MANE Select); coding-DNA position 6497, A replaced by G.
Protein change: p.Tyr2166Cys; replaces tyrosine 2166 with cysteine.
Molecular consequence: missense variant.
Genome position (GRCh38, 1-based): chr11:77,213,918, A>G. VCF-style: chr11-77213918-A-G. GRCh37 (hg19) VCF-style: chr11-76924963-A-G.
Other names: c.6377A>G, p.Tyr2126Cys (NM_001127180.2); c.6350A>G, p.Tyr2117Cys (NM_001369365.1); short protein forms Y2117C, Y2126C, Y2166C.
Identifiers: ClinVar variation 4800493 (VCV004800493.1).